The following is an entry in ClinVar:

ClinVar aggregate classification (germline): Uncertain significance (1 of 4 stars; one submission).

Conditions:
Severe combined immunodeficiency due to DNA-PKcs deficiency. Also called: IMMUNODEFICIENCY 26 WITH NEUROLOGIC ABNORMALITIES; Immunodeficiency 26 with or without neurologic abnormalities. Identifiers: Orphanet 317425, MedGen C4014833, MONDO:0014423, OMIM 615966.

gnomAD v4.1: 3 of 1,613,856 alleles (0.00019%); highest among the groups gnomAD compares: Admixed American, 0.005%; no homozygotes.

Submission:

Labcorp Genetics (formerly Invitae), Labcorp
Classification: Uncertain significance for Severe combined immunodeficiency due to DNA-PKcs deficiency. Last evaluated: 2022-08-09. Review status: criteria provided, single submitter. Criteria: Invitae Variant Classification Sherloc (09022015). Collection method: clinical testing. Allele origin: germline.
Comment: This sequence change replaces glutamic acid, which is acidic and polar, with aspartic acid, which is acidic and polar, at codon 3261 of the PRKDC protein (p.Glu3261Asp). This variant is present in population databases (no rsID available, gnomAD 0.003%). This variant has not been reported in the literature in individuals affected with PRKDC-related conditions. ClinVar contains an entry for this variant (Variation ID: 541998). Algorithms developed to predict the effect of missense changes on protein structure and function output the following: SIFT: "Not Available"; PolyPhen-2: "Not Available"; Align-GVGD: "Not Available". The aspartic acid amino acid residue is found in multiple mammalian species, which suggests that this missense change does not adversely affect protein function. In summary, the available evidence is currently insufficient to determine the role of this variant in disease. Therefore, it has been classified as a Variant of Uncertain Significance.

NM_006904.7(PRKDC):c.9783G>T (p.Glu3261Asp)

Gene: PRKDC (protein kinase, DNA-activated, catalytic subunit; minus strand). Cytogenetic location: 8q11.21.
Variant type: single nucleotide variant.
Coding change: c.9783G>T on transcript NM_006904.7 (MANE Select); coding-DNA position 9783, G replaced by T.
Protein change: p.Glu3261Asp; replaces glutamic acid 3261 with aspartic acid.
Molecular consequence: missense variant.
Genome position (GRCh38, 1-based): chr8:47,803,445, C>A on the plus strand (G>T on the coding strand, the complement: PRKDC is on the minus strand). VCF-style: chr8-47803445-C-A. GRCh37 (hg19) VCF-style: chr8-48716006-C-A.
Other names: c.9783G>T, p.Glu3261Asp (NM_001081640.2); short protein forms E3261D.
Identifiers: ClinVar variation 541998 (VCV000541998.5), dbSNP rs772972161, ClinGen allele CA371136852.
Genomic context (GRCh38, chr8:47,803,445, plus strand): 5'-GCAGTAGCTCTGCACCCAGCTCACCAGCCAATCGTCTCTGGTTTTTGACTCTTTATGCAG[C>A]TCCTTCAGTAGTTTCATAGCAAGTGAGAAATTGTTCTGTATGAATACAATAAAAAGAGAG-3'
Protein context (NP_008835.5, residues 3251-3271): NFSLAMKLLK[Glu3261Asp]LHKESKTRDD